The following is an entry in ClinVar:

ClinVar aggregate classification (germline): Benign. Review status: criteria provided, multiple submitters, no conflicts (2 of 4 stars). 3 submissions from 3 submitters: Benign (3). Last evaluated 2018-01-12.

Conditions:
Autosomal dominant polycystic kidney disease. Identifiers: Orphanet 730, MedGen C0085413, MONDO:0004691.
Polycystic kidney disease 2 (PKD2). Also called: Polycystic Kidney Disease 2, Autosomal Dominant; POLYCYSTIC KIDNEY DISEASE, ADULT, TYPE II; POLYCYSTIC KIDNEY DISEASE 2 WITH OR WITHOUT POLYCYSTIC LIVER DISEASE. Identifiers: MedGen C2751306, MONDO:0013131, OMIM 613095.

Allele frequency attached by ClinVar (database versions not stated): gnomAD 0.25694; 1000 Genomes Project 0.14677; 1000 Genomes Project 30x 0.15272; TOPMed 0.22582.

Submissions (3):

Illumina Laboratory Services, Illumina
Classification: Benign for Polycystic kidney disease 2. Last evaluated: 2018-01-12. Review status: criteria provided, single submitter. Criteria: ICSL Variant Classification Criteria 13 December 2019. Collection method: clinical testing. Allele origin: germline.
Comment: This variant was observed in the ICSL laboratory as part of a predisposition screen in an ostensibly healthy population. It had not been previously curated by ICSL or reported in the Human Gene Mutation Database (HGMD: prior to June 1st, 2018), and was therefore a candidate for classification through an automated scoring system. Utilizing variant allele frequency, disease prevalence and penetrance estimates, and inheritance mode, an automated score was calculated to assess if this variant is too frequent to cause the disease. Based on the score and internal cut-off values, a variant classified as benign is not then subjected to further curation. The score for this variant resulted in a classification of benign for this disease.

Department of Pathology and Laboratory Medicine, Sinai Health System
Classification: Benign for autosomal dominant polycystic kidney disease. Last evaluated: 2016-02-19. Review status: criteria provided, single submitter. Criteria: ACMG Guidelines, 2015. Collection method: clinical testing. Allele origin: germline.

Breakthrough Genomics
Classification: Benign. Review status: criteria provided, single submitter. Criteria: ACMG Guidelines, 2015. Collection method: not provided. Allele origin: germline. Inheritance: Autosomal dominant inheritance. Affected: yes.

NM_000297.4(PKD2):c.*1237G>A

Gene: PKD2 (polycystin 2, transient receptor potential cation channel; plus strand). Cytogenetic location: 4q22.1.
Variant type: single nucleotide variant.
Coding change: c.*1237G>A on transcript NM_000297.4 (MANE Select); 1237 bases downstream of the stop codon, G replaced by A.
Molecular consequence: 3 prime UTR variant. On other transcripts: non-coding transcript variant (1).
Genome position (GRCh38, 1-based): chr4:88,076,931, G>A. VCF-style: chr4-88076931-G-A. GRCh37 (hg19) VCF-style: chr4-88998083-G-A.
Identifiers: ClinVar variation 350048 (VCV000350048.7), dbSNP rs10965, ClinGen allele CA10621938.